The following is an entry in ClinVar:

NM_000182.5(HADHA):c.2146+16T>C

Genes: HADHA (hydroxyacyl-CoA dehydrogenase trifunctional multienzyme complex subunit alpha; minus strand), GAREM2 (GRB2 associated regulator of MAPK1 subtype 2; plus strand). Cytogenetic location: 2p23.3.
Variant type: single nucleotide variant.
Coding change: c.2146+16T>C on transcript NM_000182.5 (MANE Select); 16 bases into the intron after coding-DNA position 2146, T replaced by C.
Molecular consequence: intron variant.
Genome position (GRCh38, 1-based): chr2:26,191,467, A>G on the plus strand (T>C on the coding strand, the complement: HADHA is on the minus strand). VCF-style: chr2-26191467-A-G. GRCh37 (hg19) VCF-style: chr2-26414336-A-G.
Other names: p.?.
Identifiers: ClinVar variation 203740 (VCV000203740.22), dbSNP rs145930159, ClinGen allele CA312575.

ClinVar aggregate classification (germline): Benign/Likely benign. Review status: criteria provided, multiple submitters, no conflicts (2 of 4 stars). 6 submissions from 6 submitters: Benign (4); Likely benign (1). 1 of the submissions does not count toward it. Last evaluated 2026-02-03.

Conditions:
Mitochondrial trifunctional protein deficiency. Identifiers: Orphanet 746, MedGen C1969443, MONDO:0012172.
Long chain 3-hydroxyacyl-CoA dehydrogenase deficiency. Also called: Deficiency of long-chain 3-hydroxyacyl-coenzyme A dehydrogenase; LCHAD Deficiency. Identifiers: Orphanet 5, MedGen C3711645, MONDO:0012173, OMIM 609016.

Allele frequency attached by ClinVar (database versions not stated): 1000 Genomes Project 0.00200; 1000 Genomes Project 30x 0.00203; gnomAD 0.00393 and 0.00408; ESP Exome Variant Server 0.00400; ExAC 0.00433; TOPMed 0.00440; gnomAD exomes 0.00500 and 0.00533.
gnomAD v4.1: 8,458 of 1,614,162 alleles (0.52%); highest among the groups gnomAD compares: Admixed American, 0.56%; 41 homozygotes.

Submissions (6):

Labcorp Genetics (formerly Invitae), Labcorp
Classification: Benign for Mitochondrial trifunctional protein deficiency; Long chain 3-hydroxyacyl-CoA dehydrogenase deficiency. Last evaluated: 2026-02-03. Review status: criteria provided, single submitter. Criteria: Invitae Variant Classification Sherloc (09022015). Collection method: clinical testing. Allele origin: germline.

Mayo Clinic Laboratories, Mayo Clinic
Classification: Likely benign. Last evaluated: 2024-05-08. Review status: criteria provided, single submitter. Criteria: ACMG Guidelines, 2015. Collection method: clinical testing. Allele origin: germline. Observed: 5 variant alleles.
Comment: BS1, BP4, BP7

ARUP Laboratories, Molecular Genetics and Genomics, ARUP Laboratories
Classification: Benign. Last evaluated: 2020-04-10. Review status: criteria provided, single submitter. Criteria: ARUP Molecular Germline Variant Investigation Process. Collection method: clinical testing. Allele origin: germline.

GeneDx
Classification: Benign. Last evaluated: 2014-07-03. Review status: criteria provided, single submitter. Criteria: GeneDx Variant Classification (06012015). Collection method: clinical testing. Allele origin: germline. Affected: yes.
Comment: This variant is considered likely benign or benign based on one or more of the following criteria: it is a conservative change, it occurs at a poorly conserved position in the protein, it is predicted to be benign by multiple in silico algorithms, and/or has population frequency not consistent with disease.

Breakthrough Genomics
Classification: Benign. Review status: criteria provided, single submitter. Criteria: ACMG Guidelines, 2015. Collection method: not provided. Allele origin: germline. Inheritance: Autosomal recessive inheritance. Affected: yes.

Natera, Inc.
Classification: Likely benign for Deficiency of long-chain 3-hydroxyacyl-coenzyme A dehydrogenase. Last evaluated: 2019-12-04. Review status: no assertion criteria provided. Collection method: clinical testing. Allele origin: germline. Not counted in ClinVar's aggregate classification.